The following is an entry in ClinVar:

NM_002225.5(IVD):c.456+22_510delinsGTTG

Gene: IVD (isovaleryl-CoA dehydrogenase; plus strand). Cytogenetic location: 15q15.1.
Variant type: Indel.
Coding change: c.456+22_510delinsGTTG on transcript NM_002225.5 (MANE Select); 22 bases into the intron after coding-DNA position 456 through coding-DNA position 510, the reference bases replaced by GTTG.
Molecular consequence: splice acceptor variant.
Genome position (GRCh38, 1-based): chr15:40,410,819-40,411,313, 495 bases replaced. GRCh37 (hg19): chr15:40,703,018-40,703,512.
Other names: c.543+22_597delinsGTTG (NM_001354600.3, NM_001354599.3); c.456+22_510delinsGTTG (NM_001354598.3, NM_001354601.3); c.408+22_462delinsGTTG (NM_001354597.3); c.366+22_420delinsGTTG (NM_001159508.3).
Identifiers: ClinVar variation 459929 (VCV000459929.6), dbSNP rs1555403942, ClinGen allele CA658658283.

ClinVar aggregate classification (germline): Pathogenic (1 of 4 stars; one submission).

Conditions:
Isovaleryl-CoA dehydrogenase deficiency (IVA). Also called: Classic Isovaleric Acidemia; ISOVALERIC ACID CoA DEHYDROGENASE DEFICIENCY; IVD DEFICIENCY; Isovaleric acidemia. Identifiers: Orphanet 33, MedGen C0268575, MONDO:0009475, OMIM 243500.

Submission:

Labcorp Genetics (formerly Invitae), Labcorp
Classification: Pathogenic for Isovaleryl-CoA dehydrogenase deficiency. Last evaluated: 2023-12-21. Review status: criteria provided, single submitter. Criteria: Invitae Variant Classification Sherloc (09022015). Collection method: clinical testing. Allele origin: germline.
Comment: This variant results in the deletion of part of exon 5 (c.465+22_519delinsGTTG) of the IVD gene. It is expected to disrupt RNA splicing. Variants that disrupt the donor or acceptor splice site typically lead to a loss of protein function (PMID: 16199547), and loss-of-function variants in IVD are known to be pathogenic (PMID: 16602101). This variant is not present in population databases (gnomAD no frequency). This variant has been observed in individual(s) with isovaleric acidemia (PMID: 27904153). ClinVar contains an entry for this variant (Variation ID: 459929). This variant disrupts a region of the IVD protein in which other variant(s) (p.Gly159Ala) have been determined to be pathogenic (PMID: 19099814; Invitae). This suggests that this is a clinically significant region of the protein, and that variants that disrupt it are likely to be disease-causing. For these reasons, this variant has been classified as Pathogenic.

Literature cited by the submitters: PubMed 16199547; PubMed 16602101; PubMed 27904153; PubMed 19099814.